The following is an entry in ClinVar:

ClinVar aggregate classification (germline): Uncertain significance (1 of 4 stars; one submission).

Conditions:
Peroxisome biogenesis disorder. Identifiers: Orphanet 79189, MedGen C1832200, MONDO:0019234. Disease mechanism: loss of function.

Allele frequency attached by ClinVar (database versions not stated): gnomAD exomes below 0.00001; TOPMed below 0.00001; ExAC 0.00001.
gnomAD v4.1: 1 of 1,613,864 alleles (0.000062%); highest among the groups gnomAD compares: Admixed American, 0.0017%; no homozygotes.

Submission:

Labcorp Genetics (formerly Invitae), Labcorp
Classification: Uncertain significance for Peroxisome biogenesis disorder. Last evaluated: 2023-11-27. Review status: criteria provided, single submitter. Criteria: Invitae Variant Classification Sherloc (09022015). Collection method: clinical testing. Allele origin: germline.
Comment: This sequence change affects codon 377 of the PEX6 mRNA. It is a 'silent' change, meaning that it does not change the encoded amino acid sequence of the PEX6 protein. It affects a nucleotide within the consensus splice site. This variant is present in population databases (rs779074717, gnomAD 0.0009%). This variant has not been reported in the literature in individuals affected with PEX6-related conditions. ClinVar contains an entry for this variant (Variation ID: 2155160). Algorithms developed to predict the effect of sequence changes on RNA splicing suggest that this variant is not likely to affect RNA splicing. In summary, the available evidence is currently insufficient to determine the role of this variant in disease. Therefore, it has been classified as a Variant of Uncertain Significance.

NM_000287.4(PEX6):c.1131G>A (p.Arg377=)

Gene: PEX6 (peroxisomal biogenesis factor 6; minus strand). Cytogenetic location: 6p21.1.
Variant type: single nucleotide variant.
Coding change: c.1131G>A on transcript NM_000287.4 (MANE Select); coding-DNA position 1131, G replaced by A.
Protein change: p.Arg377=; no amino-acid change (arginine 377 retained).
Molecular consequence: synonymous variant. On other transcripts: non-coding transcript variant (1).
Genome position (GRCh38, 1-based): chr6:42,969,987, C>T on the plus strand (G>A on the coding strand, the complement: PEX6 is on the minus strand). VCF-style: chr6-42969987-C-T. GRCh37 (hg19) VCF-style: chr6-42937725-C-T.
Other names: c.867G>A, p.Arg289= (NM_001316313.2).
Identifiers: ClinVar variation 2155160 (VCV002155160.2), dbSNP rs779074717, ClinGen allele CA3811434.
Genomic context (GRCh38, chr6:42,969,987, plus strand): 5'-GGCTGGTCCATCTGGAGCTTCCCCAACTGTTTTCTTCACTTTAAAAAACATTTCCCGCCA[C>T]CTGCAGGAAAAAGGCCCAATGAACCCCAGATCCAGAGTCCAAAAACCCCCCTCCTCAAGG-3'
Protein context (NP_000278.3, residues 367-387): ILEGSPEKLP[Arg377=]WREMFFKVKK